The following is an entry in ClinVar:

NM_004484.4(GPC3):c.513dup (p.Asp172Ter)

Gene: GPC3 (glypican 3; minus strand). Cytogenetic location: Xq26.2.
Variant type: Duplication.
Coding change: c.513dup on transcript NM_004484.4 (MANE Select); coding-DNA position 513, one base duplicated (T; older notation c.513dupT).
Protein change: p.Asp172Ter; replaces aspartic acid 172 with a stop codon.
Molecular consequence: nonsense.
Genome position (GRCh38, 1-based): chrX:133,754,001, A duplicated on the plus strand (T on the coding strand, the reverse complement: GPC3 is on the minus strand); the first of 3 consecutive A bases (chrX:133,754,001-133,754,003); duplicating any one gives the same sequence. VCF-style (leftmost placement, unchanged base first): chrX-133754000-C-CA. GRCh37 (hg19) VCF-style: chrX-132888027-C-CA.
Other names: c.513dup, p.Asp172Ter (NM_001164617.2); c.465dup, p.Asp156Ter (NM_001164618.2); c.351dup, p.Asp118Ter (NM_001164619.2); c.513dupT (NM_004484.3); short protein forms D118*, D172*, D156*.
Identifiers: ClinVar variation 664988 (VCV000664988.7), dbSNP rs1603240717, ClinGen allele CA915952366.
Genomic context (GRCh38, chrX:133,754,000, plus strand): 5'-AGGCTGAATCAGGCAGGCCTGGGTTCATTAGCTGGGTATAGATGACTGGAAACAGGCTGT[C>CA]AAACAATTCATTGACCATGTCATCTACATTGATGTCAGAACCCAAGATGTAGAGAGACAC-3'

ClinVar aggregate classification (germline): Pathogenic (1 of 4 stars; one submission).

Conditions:
Wilms tumor 1 (WT1). Also called: Wilms tumor, somatic. Identifiers: Orphanet 654, MedGen CN033288, MONDO:0008679, OMIM 194070.

Submission:

Labcorp Genetics (formerly Invitae), Labcorp
Classification: Pathogenic for Wilms tumor 1. Last evaluated: 2018-11-16. Review status: criteria provided, single submitter. Criteria: Invitae Variant Classification Sherloc (09022015). Collection method: clinical testing. Allele origin: germline.
Comment: For these reasons, this variant has been classified as Pathogenic. Loss-of-function variants in GPC3 are known to be pathogenic (PMID: 10402475, 12713262, 17603795). This variant has not been reported in the literature in individuals with GPC3-related disease. This variant is not present in population databases (ExAC no frequency). This sequence change creates a premature translational stop signal (p.Asp172*) in the GPC3 gene. It is expected to result in an absent or disrupted protein product.

Literature cited by the submitters: PubMed 10402475; PubMed 12713262; PubMed 17603795.